The following is an entry in ClinVar:

NM_000316.3(PTH1R):c.988+4C>T

Gene: PTH1R (parathyroid hormone 1 receptor; plus strand). Cytogenetic location: 3p21.31.
Variant type: single nucleotide variant.
Coding change: c.988+4C>T on transcript NM_000316.3 (MANE Select); 4 bases into the intron after coding-DNA position 988, C replaced by T.
Molecular consequence: intron variant.
Genome position (GRCh38, 1-based): chr3:46,899,460, C>T. VCF-style: chr3-46899460-C-T. GRCh37 (hg19) VCF-style: chr3-46940950-C-T.
Other names: c.988+4C>T (NM_001184744.1).
Identifiers: ClinVar variation 1906865 (VCV001906865.6), dbSNP rs201291962, ClinGen allele CA2359359.
Genomic context (GRCh38, chr3:46,899,460, plus strand): 5'-TCATGGCCTTCTTCTCAGAGAAGAAGTACCTGTGGGGCTTCACAGTCTTCGGCTGGGGTA[C>T]GCGGGCACAGCGGGTAGCGAGGTGCCGGCAGGGGTGGGACCGTGGGTGACAGGGAGAGGG-3'

ClinVar aggregate classification (germline): Uncertain significance. Review status: criteria provided, multiple submitters, no conflicts (2 of 4 stars). 2 submissions from 2 submitters: Uncertain significance (2). Last evaluated 2024-09-12.

Conditions:
Chondrodysplasia Blomstrand type (BOCD). Identifiers: Orphanet 50945, MedGen C1859148, MONDO:0008970, OMIM 215045.
Primary failure of tooth eruption. Also called: DENTAL NONERUPTION; PRIMARY RETENTION OF TEETH; UNERUPTED SECOND PRIMARY MOLAR; POSTERIOR OPENBITE MALOCCLUSION, FAMILIAL. Identifiers: Orphanet 412206, MedGen C1852222, MONDO:0007434, OMIM 125350.
Eiken syndrome (EKNS). Also called: BONE MODELING DEFECT OF HANDS AND FEET. Identifiers: Orphanet 79106, MedGen C1838779, MONDO:0010803, OMIM 600002.
Metaphyseal chondrodysplasia, Jansen type. Also called: Metaphyseal chondrodysplasia Murk Jansen type; PTH1R-Related Jansen Metaphyseal Chondrodysplasia. Identifiers: Orphanet 33067, MedGen C0265295, MONDO:0007982, OMIM 156400.

Allele frequency attached by ClinVar (database versions not stated): ExAC 0.00001; gnomAD 0.00001; gnomAD exomes 0.00001; TOPMed 0.00003; ESP Exome Variant Server 0.00008.

Submissions (2):

Labcorp Genetics (formerly Invitae), Labcorp
Classification: Uncertain significance. Last evaluated: 2024-09-12. Review status: criteria provided, single submitter. Criteria: Invitae Variant Classification Sherloc (09022015). Collection method: clinical testing. Allele origin: germline.
Comment: This sequence change falls in intron 10 of the PTH1R gene. It does not directly change the encoded amino acid sequence of the PTH1R protein. It affects a nucleotide within the consensus splice site. This variant is present in population databases (rs201291962, gnomAD 0.007%). This variant has not been reported in the literature in individuals affected with PTH1R-related conditions. ClinVar contains an entry for this variant (Variation ID: 1906865). Variants that disrupt the consensus splice site are a relatively common cause of aberrant splicing (PMID: 17576681, 9536098). Algorithms developed to predict the effect of sequence changes on RNA splicing suggest that this variant is not likely to affect RNA splicing. In summary, the available evidence is currently insufficient to determine the role of this variant in disease. Therefore, it has been classified as a Variant of Uncertain Significance.

Fulgent Genetics
Classification: Uncertain significance for Primary failure of tooth eruption; Metaphyseal chondrodysplasia, Jansen type; Chondrodysplasia Blomstrand type; Eiken syndrome. Last evaluated: 2024-05-21. Review status: criteria provided, single submitter. Criteria: ACMG Guidelines, 2015. Collection method: clinical testing. Allele origin: germline.

Literature cited by the submitters: PubMed 17576681 (cited by Labcorp Genetics (formerly Invitae), Labcorp); PubMed 9536098 (cited by Labcorp Genetics (formerly Invitae), Labcorp).